The following is an entry in ClinVar:

ClinVar aggregate classification (germline): Uncertain significance. Review status: criteria provided, multiple submitters, no conflicts (2 of 4 stars). 2 submissions from 2 submitters: Uncertain significance (2). Last evaluated 2023-02-02.

Allele frequency attached by ClinVar (database versions not stated): TOPMed below 0.00001; gnomAD 0.00001.
gnomAD v4.1: 8 of 1,571,290 alleles (0.00051%); highest among the groups gnomAD compares: Admixed American, 0.0017%; no homozygotes.

Submissions (2):

Labcorp Genetics (formerly Invitae), Labcorp
Classification: Uncertain significance. Last evaluated: 2023-02-02. Review status: criteria provided, single submitter. Criteria: Invitae Variant Classification Sherloc (09022015). Collection method: clinical testing. Allele origin: germline.
Comment: This sequence change replaces serine, which is neutral and polar, with proline, which is neutral and non-polar, at codon 424 of the POLG2 protein (p.Ser424Pro). In summary, the available evidence is currently insufficient to determine the role of this variant in disease. Therefore, it has been classified as a Variant of Uncertain Significance. Algorithms developed to predict the effect of missense changes on protein structure and function (SIFT, PolyPhen-2, Align-GVGD) all suggest that this variant is likely to be tolerated. ClinVar contains an entry for this variant (Variation ID: 1318801). This variant has not been reported in the literature in individuals affected with POLG2-related conditions. This variant is not present in population databases (gnomAD no frequency).

GeneDx
Classification: Uncertain significance. Last evaluated: 2020-03-11. Review status: criteria provided, single submitter. Criteria: GeneDx Variant Classification Process June 2021. Collection method: clinical testing. Allele origin: germline. Affected: yes.
Comment: Not observed in large population cohorts (Lek et al., 2016); In silico analysis supports that this missense variant has a deleterious effect on protein structure/function; Has not been previously published as pathogenic or benign to our knowledge

NM_007215.4(POLG2):c.1270T>C (p.Ser424Pro)

Genes: POLG2 (DNA polymerase gamma 2, accessory subunit; minus strand), MILR1 (mast cell immunoglobulin like receptor 1; plus strand). Cytogenetic location: 17q23.3.
Variant type: single nucleotide variant.
Coding change: c.1270T>C on transcript NM_007215.4 (MANE Select); coding-DNA position 1270, T replaced by C.
Protein change: p.Ser424Pro; replaces serine 424 with proline.
Molecular consequence: missense variant.
Genome position (GRCh38, 1-based): chr17:64,480,311, A>G on the plus strand (T>C on the coding strand, the complement: POLG2 is on the minus strand). VCF-style: chr17-64480311-A-G. GRCh37 (hg19) VCF-style: chr17-62476428-A-G.
Other names: short protein forms S424P.
Identifiers: ClinVar variation 1318801 (VCV001318801.9), dbSNP rs2037835912, ClinGen allele CA400636037.